The following is an entry in ClinVar:

ClinVar aggregate classification (germline): Uncertain significance (1 of 4 stars; one submission).

Submission:

GeneDx
Classification: Uncertain significance. Last evaluated: 2022-05-31. Review status: criteria provided, single submitter. Criteria: GeneDx Variant Classification Process June 2021. Collection method: clinical testing. Allele origin: germline. Affected: yes.
Comment: Not observed at significant frequency in large population cohorts (gnomAD); In silico analysis supports that this missense variant has a deleterious effect on protein structure/function; Has not been previously published as pathogenic or benign to our knowledge

NM_014991.6(WDFY3):c.3160G>T (p.Gly1054Trp)

Gene: WDFY3 (WD repeat and FYVE domain containing 3; minus strand). Cytogenetic location: 4q21.23.
Variant type: single nucleotide variant.
Coding change: c.3160G>T on transcript NM_014991.6 (MANE Select); coding-DNA position 3160, G replaced by T.
Protein change: p.Gly1054Trp; replaces glycine 1054 with tryptophan.
Molecular consequence: missense variant.
Genome position (GRCh38, 1-based): chr4:84,796,528, C>A on the plus strand (G>T on the coding strand, the complement: WDFY3 is on the minus strand). VCF-style: chr4-84796528-C-A. GRCh37 (hg19) VCF-style: chr4-85717681-C-A.
Other names: short protein forms G1054W.
Identifiers: ClinVar variation 1802089 (VCV001802089.1), dbSNP rs2533791607, ClinGen allele CA357561304.
Genomic context (GRCh38, chr4:84,796,528, plus strand): 5'-GGCAAGTATGACGCATAAAACCATAAAGGTTGGCTTCCTTGCAAATTTCTTACCCAAACC[C>A]TTCAAGTGATGTGTCAAATTCAACAAAAGCTGGAGTAACTGATGACCCATGAAGTCTGAT-3'
Protein context (NP_055806.2, residues 1044-1064): AFVEFDTSLE[Gly1054Trp]FGCLFLPSLA